The following is an entry in ClinVar:

ClinVar aggregate classification (germline): Uncertain significance. Review status: criteria provided, multiple submitters, no conflicts (2 of 4 stars). 2 submissions from 2 submitters: Uncertain significance (2). Last evaluated 2024-08-26.

Conditions:
Dyskeratosis congenita, autosomal recessive 6 (DKCB6). Identifiers: MedGen C4225356, MONDO:0014600, OMIM 616353.
Pulmonary fibrosis and/or bone marrow failure, Telomere-related, 4. Also called: PULMONARY FIBROSIS AND/OR BONE MARROW FAILURE SYNDROME, TELOMERE-RELATED, 4. Identifiers: Orphanet 2032, MedGen C4225347, MONDO:0014612, OMIM 616371.

gnomAD v4.1: 2 of 1,541,370 alleles (0.00013%); highest among the groups gnomAD compares: Non-Finnish European, 0.00018%; no homozygotes.

Submissions (2):

Blueprint Genetics
Classification: Uncertain significance. Last evaluated: 2024-08-26. Review status: criteria provided, single submitter. Criteria: ACMG Guidelines, 2015. Collection method: clinical testing. Allele origin: germline.

Labcorp Genetics (formerly Invitae), Labcorp
Classification: Uncertain significance for Dyskeratosis congenita, autosomal recessive 6; Pulmonary fibrosis and/or bone marrow failure, Telomere-related, 4. Last evaluated: 2024-08-08. Review status: criteria provided, single submitter. Criteria: Invitae Variant Classification Sherloc (09022015). Collection method: clinical testing. Allele origin: germline.
Comment: This sequence change replaces glutamine, which is neutral and polar, with arginine, which is basic and polar, at codon 215 of the PARN protein (p.Gln215Arg). This variant is not present in population databases (gnomAD no frequency). This variant has not been reported in the literature in individuals affected with PARN-related conditions. Advanced modeling of protein sequence and biophysical properties (such as structural, functional, and spatial information, amino acid conservation, physicochemical variation, residue mobility, and thermodynamic stability) performed at Invitae indicates that this missense variant is not expected to disrupt PARN protein function with a negative predictive value of 80%. In summary, the available evidence is currently insufficient to determine the role of this variant in disease. Therefore, it has been classified as a Variant of Uncertain Significance.

NM_002582.4(PARN):c.644A>G (p.Gln215Arg)

Gene: PARN (poly(A)-specific ribonuclease; minus strand). Cytogenetic location: 16p13.12.
Variant type: single nucleotide variant.
Coding change: c.644A>G on transcript NM_002582.4 (MANE Select); coding-DNA position 644, A replaced by G.
Protein change: p.Gln215Arg; replaces glutamine 215 with arginine.
Molecular consequence: missense variant.
Genome position (GRCh38, 1-based): chr16:14,608,296, T>C on the plus strand (A>G on the coding strand, the complement: PARN is on the minus strand). VCF-style: chr16-14608296-T-C. GRCh37 (hg19) VCF-style: chr16-14702153-T-C.
Other names: c.461A>G, p.Gln154Arg (NM_001134477.3); c.506A>G, p.Gln169Arg (NM_001242992.2); short protein forms Q154R, Q169R, Q215R.
Identifiers: ClinVar variation 3762179 (VCV003762179.3).
Genomic context (GRCh38, chr16:14,608,296, plus strand): 5'-TCCTGGGTCCCCCACAGAGCTGCTGCATACAATATAAATACTTACTTCCAGCTCAAAGTC[T>C]GATAAATTAGTTTTCTTTGGAACCTATAAAAACAAAAGAAAAGGTATTGATTTTGGCTCA-3'
Protein context (NP_002573.1, residues 205-225): CTGFQRKLIY[Gln215Arg]TLSWKYPKGI